The following is an entry in ClinVar:

ClinVar aggregate classification (germline): Benign (1 of 4 stars; one submission).

Conditions:
CEDNIK syndrome. Also called: CEREBRAL DYSGENESIS, NEUROPATHY, ICHTHYOSIS, AND PALMOPLANTAR KERATODERMA SYNDROME; Cerebral dysgenesis, neuropathy, ichthyosis, and palmoplantar keratoderma. Identifiers: Orphanet 66631, MedGen C1836033, MONDO:0012290, OMIM 609528.

Allele frequency attached by ClinVar (database versions not stated): gnomAD exomes 0.00521; gnomAD 0.02992 and 0.03210; TOPMed 0.03377; 1000 Genomes Project 0.03395; 1000 Genomes Project 30x 0.03685.
gnomAD v4.1: 4,851 of 221,506 alleles (2.2%); highest among the groups gnomAD compares: African/African-American, 10%; 245 homozygotes.

Submission:

Illumina Laboratory Services, Illumina
Classification: Benign for CEDNIK syndrome. Last evaluated: 2018-01-12. Review status: criteria provided, single submitter. Criteria: ICSL Variant Classification Criteria 13 December 2019. Collection method: clinical testing. Allele origin: germline.
Comment: This variant was observed in the ICSL laboratory as part of a predisposition screen in an ostensibly healthy population. It had not been previously curated by ICSL or reported in the Human Gene Mutation Database (HGMD: prior to June 1st, 2018), and was therefore a candidate for classification through an automated scoring system. Utilizing variant allele frequency, disease prevalence and penetrance estimates, and inheritance mode, an automated score was calculated to assess if this variant is too frequent to cause the disease. Based on the score and internal cut-off values, a variant classified as benign is not then subjected to further curation. The score for this variant resulted in a classification of benign for this disease.

NM_004782.4(SNAP29):c.*2795C>T

Gene: SNAP29 (synaptosome associated protein 29; plus strand). Cytogenetic location: 22q11.21.
Variant type: single nucleotide variant.
Coding change: c.*2795C>T on transcript NM_004782.4 (MANE Select); 2795 bases downstream of the stop codon, C replaced by T.
Molecular consequence: 3 prime UTR variant.
Genome position (GRCh38, 1-based): chr22:20,890,631, C>T. VCF-style: chr22-20890631-C-T. GRCh37 (hg19) VCF-style: chr22-21244919-C-T.
Identifiers: ClinVar variation 340890 (VCV000340890.5), dbSNP rs9625042, ClinGen allele CA10653904.